The following is an entry in ClinVar:

NM_000059.4(BRCA2):c.6528C>T (p.Asn2176=)

Gene: BRCA2 (BRCA2 DNA repair associated; plus strand). Cytogenetic location: 13q13.1.
Variant type: single nucleotide variant.
Coding change: c.6528C>T on transcript NM_000059.4 (MANE Select); coding-DNA position 6528, C replaced by T.
Protein change: p.Asn2176=; no amino-acid change (asparagine 2176 retained).
Molecular consequence: synonymous variant.
Genome position (GRCh38, 1-based): chr13:32,340,883, C>T. VCF-style: chr13-32340883-C-T. GRCh37 (hg19) VCF-style: chr13-32915020-C-T.
Identifiers: ClinVar variation 185694 (VCV000185694.21), dbSNP rs786202382, ClinGen allele CA024132.
Genomic context (GRCh38, chr13:32,340,883, plus strand): 5'-TCAATTTCAACAAGACAAACAACAGTTGGTATTAGGAACCAAAGTGTCACTTGTTGAGAA[C>T]ATTCATGTTTTGGGAAAAGAACAGGCTTCACCTAAAAACGTAAAAATGGAAATTGGTAAA-3'
Protein context (NP_000050.3, residues 2166-2186): VLGTKVSLVE[Asn2176=]IHVLGKEQAS

ClinVar aggregate classification (germline): Likely benign. Review status: reviewed by expert panel (3 of 4 stars). 5 submissions from 5 submitters: Likely benign (1). 4 of the submissions do not count toward it. Last evaluated 2017-06-29.

Conditions:
Hereditary cancer-predisposing syndrome. Also called: Hereditary Cancer Syndrome; Neoplastic Syndromes, Hereditary; Tumor predisposition; Hereditary neoplastic syndrome. Identifiers: Orphanet 140162, MedGen C0027672, MeSH D009386, MONDO:0015356.
Hereditary breast ovarian cancer syndrome. Also called: Hereditary breast and ovarian cancer; Hereditary breast and ovarian cancer syndrome; Breast and ovarian cancer; Hereditary breast and ovarian cancer syndrome (HBOC); Hereditary breast and/or ovarian cancer syndrome; BRCA1- and BRCA2-Associated Hereditary Breast and Ovarian Cancer. Identifiers: Orphanet 145, MedGen C0677776, MeSH D061325, MONDO:0003582. Disease mechanism: loss of function.
Breast-ovarian cancer, familial, susceptibility to, 2 (BROVCA2). Also called: BRCA2 Hereditary Breast and Ovarian Cancer. Identifiers: Orphanet 145, MedGen C2675520, MONDO:0012933, OMIM 612555. Disease mechanism: loss of function.

Allele frequency attached by ClinVar (database versions not stated): gnomAD exomes below 0.00001.
gnomAD v4.1: 3 of 1,605,420 alleles (0.00019%); highest among the groups gnomAD compares: Non-Finnish European, 0.00025%; no homozygotes.

Submissions (5):

Evidence-based Network for the Interpretation of Germline Mutant Alleles (ENIGMA)
Classification: Likely benign for Breast-ovarian cancer, familial, susceptibility to, 2. Last evaluated: 2017-06-29. Review status: reviewed by expert panel. Criteria: ENIGMA BRCA1/2 Classification Criteria (2017-06-29). Collection method: curation. Allele origin: germline.
Comment: Synonymous substitution variant, with low bioinformatic likelihood to result in a splicing aberration (Splicing prior probability 0.02).

Labcorp Genetics (formerly Invitae), Labcorp
Classification: Likely benign for Hereditary breast ovarian cancer syndrome. Last evaluated: 2025-11-10. Review status: criteria provided, single submitter. Criteria: Invitae Variant Classification Sherloc (09022015). Collection method: clinical testing. Allele origin: germline. Not counted in ClinVar's aggregate classification.

Quest Diagnostics Nichols Institute San Juan Capistrano
Classification: Likely benign. Last evaluated: 2025-05-23. Review status: criteria provided, single submitter. Criteria: Quest Diagnostics criteria. Collection method: clinical testing. Allele origin: unknown. Not counted in ClinVar's aggregate classification.

Ambry Genetics
Classification: Likely benign for Hereditary cancer-predisposing syndrome. Last evaluated: 2021-11-01. Review status: criteria provided, single submitter. Criteria: Ambry Variant Classification Scheme 2023. Collection method: clinical testing. Allele origin: germline. Not counted in ClinVar's aggregate classification.

Color Diagnostics, LLC DBA Color Health
Classification: Likely benign for Hereditary cancer-predisposing syndrome. Last evaluated: 2018-03-15. Review status: criteria provided, single submitter. Criteria: ACMG Guidelines, 2015. Collection method: clinical testing. Allele origin: germline. Not counted in ClinVar's aggregate classification.

Literature cited by the submitters: PubMed 32486089 (cited by Quest Diagnostics Nichols Institute San Juan Capistrano).